The following is an entry in ClinVar:

NM_004589.4(SCO1):c.656-7dup

Gene: SCO1 (synthesis of cytochrome C oxidase 1; minus strand). Cytogenetic location: 17p13.1.
Variant type: Duplication.
Coding change: c.656-7dup on transcript NM_004589.4 (MANE Select); 7 bases into the intron before coding-DNA position 656, one base duplicated (T; older notation c.656-7dupT).
Molecular consequence: intron variant.
Genome position (GRCh38, 1-based): chr17:10,686,849, A duplicated on the plus strand (T on the coding strand, the reverse complement: SCO1 is on the minus strand); the first of 6 consecutive A bases (chr17:10,686,849-10,686,854); duplicating any one gives the same sequence. VCF-style (leftmost placement, unchanged base first): chr17-10686848-T-TA. GRCh37 (hg19) VCF-style: chr17-10590165-T-TA.
Identifiers: ClinVar variation 3044187 (VCV003044187.3), dbSNP rs748960957, ClinGen allele CA8393508.

ClinVar aggregate classification (germline): Likely benign. Review status: criteria provided, single submitter (1 of 4 stars). 2 submissions from 2 submitters: Likely benign (1). 1 of the submissions does not count toward it. Last evaluated 2021-07-08.

Conditions:
SCO1-related disorder. Also called: SCO1-related condition; SCO1-related disorders.

Submissions (2):

Blueprint Genetics
Classification: Likely benign. Last evaluated: 2021-07-08. Review status: criteria provided, single submitter. Criteria: ACMG Guidelines, 2015. Collection method: clinical testing. Allele origin: germline.

PreventionGenetics, part of Exact Sciences
Classification: Likely benign for SCO1-related condition. Last evaluated: 2019-06-05. Review status: no assertion criteria provided. Collection method: clinical testing. Allele origin: germline. Not counted in ClinVar's aggregate classification.
Comment: This variant is classified as likely benign based on ACMG/AMP sequence variant interpretation guidelines (Richards et al. 2015 PMID: 25741868, with internal and published modifications).